The following is an entry in ClinVar:

NM_000430.4(PAFAH1B1):c.863G>T (p.Ser288Ile)

Gene: PAFAH1B1 (platelet activating factor acetylhydrolase 1b regulatory subunit 1; plus strand). Cytogenetic location: 17p13.3.
Variant type: single nucleotide variant.
Coding change: c.863G>T on transcript NM_000430.4 (MANE Select); coding-DNA position 863, G replaced by T.
Protein change: p.Ser288Ile; replaces serine 288 with isoleucine.
Molecular consequence: missense variant.
Genome position (GRCh38, 1-based): chr17:2,674,251, G>T. VCF-style: chr17-2674251-G-T. GRCh37 (hg19) VCF-style: chr17-2577545-G-T.
Other names: short protein forms S288I.
Identifiers: ClinVar variation 3375413 (VCV003375413.1).

ClinVar aggregate classification (germline): Uncertain significance (1 of 4 stars; one submission).

Submission:

Women's Health and Genetics/Laboratory Corporation of America, LabCorp
Classification: Uncertain significance. Last evaluated: 2024-09-18. Review status: criteria provided, single submitter. Criteria: LabCorp Variant Classification Summary - May 2015. Collection method: clinical testing. Allele origin: germline.
Comment: Variant summary: PAFAH1B1 c.863G>T (p.Ser288Ile) results in a non-conservative amino acid change located in the 5th WD40 repeat (IPR001680) of the encoded protein sequence. Four of five in-silico tools predict a damaging effect of the variant on protein function. The variant was absent in 251194 control chromosomes. The available data on variant occurrences in the general population are insufficient to allow any conclusion about variant significance. To our knowledge, no occurrence of c.863G>T in individuals affected with PAFAH1B1-Associated Lissencephaly/Subcortical Band Heterotopia and no experimental evidence demonstrating its impact on protein function have been reported. No submitters have cited clinical-significance assessments for this variant to ClinVar. Based on the evidence outlined above, the variant was classified as uncertain significance.